The following is an entry in ClinVar:

ClinVar aggregate classification (germline): Uncertain significance. Review status: criteria provided, multiple submitters, no conflicts (2 of 4 stars). 3 submissions from 3 submitters: Uncertain significance (3). Last evaluated 2025-11-12.

Conditions:
DMD-related disorder. Also called: DMD-related condition.
Duchenne muscular dystrophy (DMD). Also called: MUSCULAR DYSTROPHY, PSEUDOHYPERTROPHIC PROGRESSIVE, DUCHENNE TYPE; Duchenne Muscular Dystrophy (DMD). Identifiers: Orphanet 98896, MedGen C0013264, MONDO:0010679, OMIM 310200.
Cardiovascular phenotype. Identifiers: MedGen CN230736.

Allele frequency attached by ClinVar (database versions not stated): TOPMed 0.00001.

Submissions (3):

Labcorp Genetics (formerly Invitae), Labcorp
Classification: Uncertain significance for Duchenne muscular dystrophy. Last evaluated: 2025-11-12. Review status: criteria provided, single submitter. Criteria: Invitae Variant Classification Sherloc (09022015). Collection method: clinical testing. Allele origin: germline.
Comment: This sequence change replaces methionine, which is neutral and non-polar, with isoleucine, which is neutral and non-polar, at codon 975 of the DMD protein (p.Met975Ile). This variant is not present in population databases (gnomAD no frequency). This variant has not been reported in the literature in individuals affected with DMD-related conditions. ClinVar contains an entry for this variant (Variation ID: 1797745). Invitae Evidence Modeling of protein sequence and biophysical properties (such as structural, functional, and spatial information, amino acid conservation, physicochemical variation, residue mobility, and thermodynamic stability) indicates that this missense variant is not expected to disrupt DMD protein function with a negative predictive value of 95%. In summary, the available evidence is currently insufficient to determine the role of this variant in disease. Therefore, it has been classified as a Variant of Uncertain Significance.

PreventionGenetics, part of Exact Sciences
Classification: Uncertain significance for DMD-related condition. Last evaluated: 2022-09-14. Review status: criteria provided, single submitter. Criteria: ACMG Guidelines, 2015. Collection method: clinical testing. Allele origin: germline.
Comment: The DMD c.2925G>A variant is predicted to result in the amino acid substitution p.Met975Ile. To our knowledge, this variant has not been reported in the literature or in a large population database, indicating this variant is rare. At this time, the clinical significance of this variant is uncertain due to the absence of conclusive functional and genetic evidence.

Ambry Genetics
Classification: Uncertain significance for Cardiovascular phenotype. Last evaluated: 2020-08-18. Review status: criteria provided, single submitter. Criteria: Ambry Variant Classification Scheme 2023. Collection method: clinical testing. Allele origin: germline.
Comment: The p.M975I variant (also known as c.2925G>A), located in coding exon 22 of the DMD gene, results from a G to A substitution at nucleotide position 2925. The methionine at codon 975 is replaced by isoleucine, an amino acid with highly similar properties. This variant was not reported in population-based cohorts in the Genome Aggregation Database (gnomAD). This amino acid position is highly conserved in available vertebrate species. In addition, this alteration is predicted to be tolerated by in silico analysis. Since supporting evidence is limited at this time, the clinical significance of this alteration remains unclear.

NM_004006.3(DMD):c.2925G>A (p.Met975Ile)

Gene: DMD (dystrophin; minus strand). Cytogenetic location: Xp21.1.
Variant type: single nucleotide variant.
Coding change: c.2925G>A on transcript NM_004006.3 (MANE Select); coding-DNA position 2925, G replaced by A.
Protein change: p.Met975Ile; replaces methionine 975 with isoleucine.
Molecular consequence: missense variant.
Genome position (GRCh38, 1-based): chrX:32,472,188, C>T on the plus strand (G>A on the coding strand, the complement: DMD is on the minus strand). VCF-style: chrX-32472188-C-T. GRCh37 (hg19) VCF-style: chrX-32490305-C-T.
Other names: c.2901G>A, p.Met967Ile (NM_000109.4); c.2913G>A, p.Met971Ile (NM_004009.3); c.2556G>A, p.Met852Ile (NM_004010.3); short protein forms M967I, M971I, M975I, M852I.
Identifiers: ClinVar variation 1797745 (VCV001797745.4), dbSNP rs1362713943, ClinGen allele CA412667872.